The following is an entry in ClinVar:

ClinVar aggregate classification (germline): Conflicting classifications of pathogenicity. Review status: criteria provided, conflicting classifications (1 of 4 stars). 3 submissions from 3 submitters: Likely pathogenic (1); Uncertain significance (2). Last evaluated 2025-05-22.

Conditions:
Congenital bile acid synthesis defect 2 (CBAS2). Also called: CHOLESTASIS WITH DELTA(4)-3-OXOSTEROID 5-BETA-REDUCTASE DEFICIENCY. Identifiers: Orphanet 79303, MedGen C1856127, MONDO:0009339, OMIM 235555.

Allele frequency attached by ClinVar (database versions not stated): gnomAD 0.00001; gnomAD exomes 0.00001; TOPMed 0.00001; ExAC 0.00002; 1000 Genomes Project 0.00040; 1000 Genomes Project 30x 0.00047.
gnomAD v4.1: 8 of 1,614,142 alleles (0.0005%); highest among the groups gnomAD compares: Admixed American, 0.01%; no homozygotes.

Submissions (3):

Women's Health and Genetics/Laboratory Corporation of America, LabCorp
Classification: Uncertain significance. Last evaluated: 2025-05-22. Review status: criteria provided, single submitter. Criteria: LabCorp Variant Classification Summary - May 2015. Collection method: clinical testing. Allele origin: germline.
Comment: Variant summary: AKR1D1 c.332T>C (p.Leu111Pro) results in a non-conservative amino acid change in the encoded protein sequence. Algorithms developed to predict the effect of missense changes on protein structure and function all suggest that this variant is likely to be disruptive. The variant allele was found at a frequency of 8e-06 in 251426 control chromosomes (gnomAD). c.332T>C has been observed in an individual affected with delta-4-3-oxo-R deficiency (Gardin_2023). These data indicate that the variant may be associated with disease. To our knowledge, no experimental evidence demonstrating an impact on protein function has been reported. The following publication has been ascertained in the context of this evaluation (PMID: 38062451). ClinVar contains an entry for this variant (Variation ID: 594766). Based on the evidence outlined above, the variant was classified as VUS-possibly pathogenic.

Mendelics
Classification: Likely pathogenic for Congenital bile acid synthesis defect 2. Last evaluated: 2019-05-28. Review status: criteria provided, single submitter. Criteria: Mendelics Assertion Criteria 2017. Collection method: clinical testing. Allele origin: unknown.

Eurofins Ntd Llc (ga)
Classification: Uncertain significance. Last evaluated: 2017-10-30. Review status: criteria provided, single submitter. Criteria: EGL Classification Definitions 2015. Collection method: clinical testing. Allele origin: germline. Observed: 1 variant allele, 1 homozygote.

Literature cited by the submitters: PubMed 38062451 (cited by Women's Health and Genetics/Laboratory Corporation of America, LabCorp).

NM_005989.4(AKR1D1):c.332T>C (p.Leu111Pro)

Gene: AKR1D1 (aldo-keto reductase family 1 member D1; plus strand). Cytogenetic location: 7q33.
Variant type: single nucleotide variant.
Coding change: c.332T>C on transcript NM_005989.4 (MANE Select); coding-DNA position 332, T replaced by C.
Protein change: p.Leu111Pro; replaces leucine 111 with proline.
Molecular consequence: missense variant.
Genome position (GRCh38, 1-based): chr7:138,091,838, T>C. VCF-style: chr7-138091838-T-C. GRCh37 (hg19) VCF-style: chr7-137776584-T-C.
Other names: c.332T>C, p.Leu111Pro (NM_001190906.2, NM_001190907.2); short protein forms L111P.
Identifiers: ClinVar variation 594766 (VCV000594766.7), dbSNP rs187887082, ClinGen allele CA4502656.